The following is an entry in ClinVar:

NM_000391.4(TPP1):c.80_81delinsTT (p.Gln27Leu)

Gene: TPP1 (tripeptidyl peptidase 1; minus strand). Cytogenetic location: 11p15.4.
Variant type: Indel.
Coding change: c.80_81delinsTT on transcript NM_000391.4 (MANE Select); coding-DNA positions 80 to 81, AG replaced by TT.
Protein change: p.Gln27Leu; replaces glutamine 27 with leucine.
Molecular consequence: missense variant.
Genome position (GRCh38, 1-based): chr11:6,619,204-6,619,205, CT replaced by AA on the plus strand (AG replaced by TT on the coding strand, the reverse complement: TPP1 is on the minus strand). VCF-style: chr11-6619204-CT-AA. GRCh37 (hg19) VCF-style: chr11-6640435-CT-AA.
Other names: short protein forms Q27L.
Identifiers: ClinVar variation 1009137 (VCV001009137.8), dbSNP rs1855632543, ClinGen allele CA1950216302.

ClinVar aggregate classification (germline): Uncertain significance (1 of 4 stars; one submission).

Submission:

Labcorp Genetics (formerly Invitae), Labcorp
Classification: Uncertain significance. Last evaluated: 2022-07-12. Review status: criteria provided, single submitter. Criteria: Invitae Variant Classification Sherloc (09022015). Collection method: clinical testing. Allele origin: germline.
Comment: This sequence change replaces glutamine, which is neutral and polar, with leucine, which is neutral and non-polar, at codon 27 of the TPP1 protein (p.Gln27Leu). Information on the frequency of this variant in the gnomAD database is not available, as this variant may be reported differently in the database. This variant has not been reported in the literature in individuals affected with TPP1-related conditions. ClinVar contains an entry for this variant (Variation ID: 1009137). Algorithms developed to predict the effect of missense changes on protein structure and function are either unavailable or do not agree on the potential impact of this missense change (SIFT: "Not Available"; PolyPhen-2: "Possibly Damaging"; Align-GVGD: "Not Available"). In summary, the available evidence is currently insufficient to determine the role of this variant in disease. Therefore, it has been classified as a Variant of Uncertain Significance.